The following is an entry in ClinVar:

NM_007294.4(BRCA1):c.2805dup (p.Asp936fs)

Gene: BRCA1 (BRCA1 DNA repair associated; minus strand). Cytogenetic location: 17q21.31.
Variant type: Duplication.
Coding change: c.2805dup on transcript NM_007294.4 (MANE Select); coding-DNA position 2805, one base duplicated (A; older notation c.2805dupA).
Protein change: p.Asp936fs; shifts the reading frame from aspartic acid 936.
Molecular consequence: frameshift variant. On other transcripts: intron variant (137).
Genome position (GRCh38, 1-based): chr17:43,092,726, T duplicated on the plus strand (A on the coding strand, the reverse complement: BRCA1 is on the minus strand); the first of 3 consecutive T bases (chr17:43,092,726-43,092,728); duplicating any one gives the same sequence. VCF-style (leftmost placement, unchanged base first): chr17-43092725-C-CT. GRCh37 (hg19) VCF-style: chr17-41244742-C-CT.
Other names: 2921insA; c.2805dupA (NM_007294.3); c.2592dup, p.Asp865fs (NM_001407571.1, NM_001407853.1, NM_001407894.1 and 9 more transcripts); c.2805dup, p.Asp936fs (NM_001407581.1, NM_001407582.1, NM_001407583.1 and 30 more transcripts); c.2802dup, p.Asp935fs (NM_001407587.1, NM_001407590.1, NM_001407591.1 and 22 more transcripts); c.2796dup, p.Asp933fs (NM_001407646.1, NM_001407647.1); c.2682dup, p.Asp895fs (NM_001407648.1, NM_001407664.1, NM_001407665.1 and 19 more transcripts); c.2679dup, p.Asp894fs (NM_001407649.1, NM_001407670.1, NM_001407671.1 and 11 more transcripts); and 43 more; short protein forms D889fs, D936fs, D808fs, D825fs, D869fs, D888fs, D640fs, D848fs.
Identifiers: ClinVar variation 236269 (VCV000236269.5), dbSNP rs397509012, ClinGen allele CA10581601.

ClinVar aggregate classification (germline): Pathogenic. Review status: reviewed by expert panel (3 of 4 stars). 3 submissions from 3 submitters: Pathogenic (1). 2 of the submissions do not count toward it. Last evaluated 2016-04-22.

Conditions:
Breast-ovarian cancer, familial, susceptibility to, 1 (BROVCA1). Also called: OVARIAN CANCER, SUSCEPTIBILITY TO; BRCA1 Hereditary Breast and Ovarian Cancer. Identifiers: Orphanet 145, MedGen C2676676, MONDO:0011450, OMIM 604370. Disease mechanism: loss of function.
Inherited breast cancer and ovarian cancer.

Submissions (3):

Evidence-based Network for the Interpretation of Germline Mutant Alleles (ENIGMA)
Classification: Pathogenic for Breast-ovarian cancer, familial, susceptibility to, 1. Last evaluated: 2016-04-22. Review status: reviewed by expert panel. Criteria: ENIGMA BRCA1/2 Classification Criteria (2015). Collection method: curation. Allele origin: germline.
Comment: Variant allele predicted to encode a truncated non-functional protein.

Cambridge Genomics Laboratory, East Genomic Laboratory Hub, NHS Genomic Medicine Service
Classification: Pathogenic for Inherited breast cancer and ovarian cancer. Last evaluated: 2026-10-23. Review status: criteria provided, single submitter. Criteria: ACGS Best Practice Guidelines for Variant Classification in Rare Disease 2020. Collection method: clinical testing. Allele origin: germline. Affected: yes. Not counted in ClinVar's aggregate classification.
Comment: PVS1,PM2_Supporting,PM5_Strong

Consortium of Investigators of Modifiers of BRCA1/2 (CIMBA), c/o University of Cambridge
Classification: Pathogenic for Breast-ovarian cancer, familial, susceptibility to, 1. Last evaluated: 2015-10-02. Review status: criteria provided, single submitter. Criteria: CIMBA Mutation Classification guidelines May 2016. Collection method: clinical testing. Allele origin: germline. Not counted in ClinVar's aggregate classification.